The following is an entry in ClinVar:

NM_000094.4(COL7A1):c.2900C>A (p.Thr967Asn)

Gene: COL7A1 (collagen type VII alpha 1 chain; minus strand). Cytogenetic location: 3p21.31.
Variant type: single nucleotide variant.
Coding change: c.2900C>A on transcript NM_000094.4 (MANE Select); coding-DNA position 2900, C replaced by A.
Protein change: p.Thr967Asn; replaces threonine 967 with asparagine.
Molecular consequence: missense variant.
Genome position (GRCh38, 1-based): chr3:48,587,512, G>T on the plus strand (C>A on the coding strand, the complement: COL7A1 is on the minus strand). VCF-style: chr3-48587512-G-T. GRCh37 (hg19) VCF-style: chr3-48624945-G-T.
Other names: short protein forms T967N.
Identifiers: ClinVar variation 3635683 (VCV003635683.2).

ClinVar aggregate classification (germline): Uncertain significance (1 of 4 stars; one submission).

gnomAD v4.1: 1 of 1,613,514 alleles (0.000062%); highest among the groups gnomAD compares: Non-Finnish European, 0.000085%; no homozygotes.

Submission:

Labcorp Genetics (formerly Invitae), Labcorp
Classification: Uncertain significance. Last evaluated: 2024-05-08. Review status: criteria provided, single submitter. Criteria: Invitae Variant Classification Sherloc (09022015). Collection method: clinical testing. Allele origin: germline.
Comment: This sequence change replaces threonine, which is neutral and polar, with asparagine, which is neutral and polar, at codon 967 of the COL7A1 protein (p.Thr967Asn). This variant is not present in population databases (gnomAD no frequency). This variant has not been reported in the literature in individuals affected with COL7A1-related conditions. Advanced modeling of protein sequence and biophysical properties (such as structural, functional, and spatial information, amino acid conservation, physicochemical variation, residue mobility, and thermodynamic stability) performed at Invitae indicates that this missense variant is not expected to disrupt COL7A1 protein function with a negative predictive value of 95%. In summary, the available evidence is currently insufficient to determine the role of this variant in disease. Therefore, it has been classified as a Variant of Uncertain Significance.